The following is an entry in ClinVar:

ClinVar aggregate classification (germline): Uncertain significance (1 of 4 stars; one submission).

Conditions:
Inborn genetic diseases. Identifiers: MedGen C0950123, MeSH D030342.

Submission:

Ambry Genetics
Classification: Uncertain significance for Inborn genetic diseases. Last evaluated: 2025-02-13. Review status: criteria provided, single submitter. Criteria: Ambry Variant Classification Scheme 2023. Collection method: clinical testing. Allele origin: germline.
Comment: The p.P167Q variant (also known as c.500C>A), located in coding exon 5 of the RECQL4 gene, results from a C to A substitution at nucleotide position 500. The proline at codon 167 is replaced by glutamine, an amino acid with similar properties. This amino acid position is conserved. In addition, this alteration is predicted to be tolerated by in silico analysis. Based on the available evidence, the clinical significance of this variant remains unclear.

NM_004260.4(RECQL4):c.500C>A (p.Pro167Gln)

Gene: RECQL4 (RecQ like helicase 4; minus strand). Cytogenetic location: 8q24.3.
Variant type: single nucleotide variant.
Coding change: c.500C>A on transcript NM_004260.4 (MANE Select); coding-DNA position 500, C replaced by A.
Protein change: p.Pro167Gln; replaces proline 167 with glutamine.
Molecular consequence: missense variant. On other transcripts: 5 prime UTR variant (15), non-coding transcript variant (3), intron variant (3).
Genome position (GRCh38, 1-based): chr8:144,516,619, G>T on the plus strand (C>A on the coding strand, the complement: RECQL4 is on the minus strand). VCF-style: chr8-144516619-G-T. GRCh37 (hg19) VCF-style: chr8-145742003-G-T.
Other names: c.500C>A, p.Pro167Gln (NM_001413017.1, NM_001413018.1, NM_001413019.1 and 4 more transcripts); c.-572C>A (NM_001413022.1, NM_001413023.1, NM_001413024.1 and 5 more transcripts); c.371C>A, p.Pro124Gln (NM_001413025.1); c.-634C>A (NM_001413027.1, NM_001413030.1, NM_001413031.1 and 2 more transcripts); c.-476C>A (NM_001413034.1); c.-841C>A (NM_001413043.1); c.355-206C>A (NM_001413029.1); c.-366-206C>A (NM_001413021.1); and 1 more; short protein forms P124Q, P167Q.
Identifiers: ClinVar variation 3788041 (VCV003788041.1).